The following is an entry in ClinVar:

ClinVar aggregate classification (germline): Uncertain significance (1 of 4 stars; one submission).

gnomAD v4.1: 3 of 1,613,334 alleles (0.00019%); highest among the groups gnomAD compares: East Asian, 0.0067%; no homozygotes.

Submission:

GeneDx
Classification: Uncertain significance. Last evaluated: 2023-05-30. Review status: criteria provided, single submitter. Criteria: GeneDx Variant Classification Process June 2021. Collection method: clinical testing. Allele origin: germline. Affected: yes.
Comment: Not observed at significant frequency in large population cohorts (gnomAD); In silico analysis supports that this missense variant does not alter protein structure/function; Has not been previously published as pathogenic or benign to our knowledge

NM_007215.4(POLG2):c.746A>G (p.Asn249Ser)

Genes: MILR1 (mast cell immunoglobulin like receptor 1; plus strand), POLG2 (DNA polymerase gamma 2, accessory subunit; minus strand). Cytogenetic location: 17q23.3.
Variant type: single nucleotide variant.
Coding change: c.746A>G on transcript NM_007215.4 (MANE Select); coding-DNA position 746, A replaced by G.
Protein change: p.Asn249Ser; replaces asparagine 249 with serine.
Molecular consequence: missense variant.
Genome position (GRCh38, 1-based): chr17:64,492,716, T>C on the plus strand (A>G on the coding strand, the complement: POLG2 is on the minus strand). VCF-style: chr17-64492716-T-C. GRCh37 (hg19) VCF-style: chr17-62488833-T-C.
Other names: short protein forms N249S.
Identifiers: ClinVar variation 3343824 (VCV003343824.1).